The following is an entry in ClinVar:

NC_000011.9:g.(?_108126932)_(108129812_?)del

Gene: ATM (ATM serine/threonine kinase; plus strand). Cytogenetic location: 11q22.3.
Variant type: Deletion.
Identifiers: ClinVar variation 1509653 (VCV001509653.4).

ClinVar aggregate classification (germline): Uncertain significance (1 of 4 stars; one submission).

Conditions:
Ataxia-telangiectasia syndrome (AT). Also called: Cerebello-oculocutaneous telangiectasia; Immunodeficiency with ataxia telangiectasia; ATAXIA-TELANGIECTASIA, COMPLEMENTATION GROUP A; ATAXIA-TELANGIECTASIA, FRESNO VARIANT; Ataxia-telangiectasia, complementation group E; LOUIS-BAR SYNDROME. Identifiers: Orphanet 100, MedGen C0004135, MONDO:0008840, OMIM 208900.

Submission:

Labcorp Genetics (formerly Invitae), Labcorp
Classification: Uncertain significance for Ataxia-telangiectasia syndrome. Last evaluated: 2023-12-07. Review status: criteria provided, single submitter. Criteria: Invitae Variant Classification Sherloc (09022015). Collection method: clinical testing. Allele origin: germline.
Comment: This variant is a gross deletion of the genomic region encompassing exon(s) 14-16 of the ATM gene. This variant would be expected to be in-frame, preserving the integrity of the reading frame. This variant has not been reported in the literature in individuals affected with ATM-related conditions. Experimental studies and prediction algorithms are not available or were not evaluated, and the functional significance of this variant is currently unknown. In summary, the available evidence is currently insufficient to determine the role of this variant in disease. Therefore, it has been classified as a Variant of Uncertain Significance.